The following is an entry in ClinVar:

NM_001330723.2(SNX27):c.1156G>C (p.Asp386His)

Gene: SNX27 (sorting nexin 27; plus strand). Cytogenetic location: 1q21.3.
Variant type: single nucleotide variant.
Coding change: c.1156G>C on transcript NM_001330723.2 (MANE Select); coding-DNA position 1156, G replaced by C.
Protein change: p.Asp386His; replaces aspartic acid 386 with histidine.
Molecular consequence: missense variant.
Genome position (GRCh38, 1-based): chr1:151,683,362, G>C. VCF-style: chr1-151683362-G-C. GRCh37 (hg19) VCF-style: chr1-151655838-G-C.
Other names: c.1156G>C, p.Asp386His (NM_030918.6); short protein forms D386H.
Identifiers: ClinVar variation 462804 (VCV000462804.14), dbSNP rs138859961, ClinGen allele CA1093603.
Genomic context (GRCh38, chr1:151,683,362, plus strand): 5'-TACATAATAATGATTTTTACACTCCTTTCTGCTCTACTTCTGTTTTGGTGATAGGCAGTC[G>C]ATGATGTGAAGAAAGGTTACATCAAAGCAGAAGAAAAGTCCTATCAATTACAGAAGCTAT-3'
Protein context (NP_001317652.1, residues 376-396): AVTYFFHQAV[Asp386His]DVKKGYIKAE

ClinVar aggregate classification (germline): Likely benign. Review status: criteria provided, single submitter (1 of 4 stars). 2 submissions from 2 submitters: Likely benign (1). 1 of the submissions does not count toward it. Last evaluated 2026-02-03.

Conditions:
SNX27-related disorder. Also called: SNX27-related condition.
Severe myoclonic epilepsy in infancy (DRVT). Also called: Dravet syndrome; Epileptic encephalopathy, early infantile, 6 (Dravet syndrome); SEVERE MYOCLONIC EPILEPSY OF INFANCY; DEVELOPMENTAL AND EPILEPTIC ENCEPHALOPATHY 6A; Severe Myoclonic Epilepsy in Infancy (SMEI). Identifiers: Orphanet 33069, MedGen C0751122, MONDO:0100135, OMIM 607208.

Allele frequency attached by ClinVar (database versions not stated): 1000 Genomes Project 30x 0.00078; 1000 Genomes Project 0.00080; TOPMed 0.00115; ESP Exome Variant Server 0.00146; gnomAD exomes 0.00163; gnomAD 0.00188; ExAC 0.00204.
gnomAD v4.1: 2,809 of 1,611,546 alleles (0.17%); highest among the groups gnomAD compares: Non-Finnish European, 0.2%; 4 homozygotes.

Submissions (2):

Labcorp Genetics (formerly Invitae), Labcorp
Classification: Likely benign for Severe myoclonic epilepsy in infancy. Last evaluated: 2026-02-03. Review status: criteria provided, single submitter. Criteria: Invitae Variant Classification Sherloc (09022015). Collection method: clinical testing. Allele origin: germline.

PreventionGenetics, part of Exact Sciences
Classification: Likely benign for SNX27-related condition. Last evaluated: 2022-06-08. Review status: no assertion criteria provided. Collection method: clinical testing. Allele origin: germline. Not counted in ClinVar's aggregate classification.
Comment: This variant is classified as likely benign based on ACMG/AMP sequence variant interpretation guidelines (Richards et al. 2015 PMID: 25741868, with internal and published modifications).